The following is an entry in ClinVar:

ClinVar aggregate classification (germline): Uncertain significance (1 of 4 stars; one submission).

Conditions:
Progressive myoclonic epilepsy type 5. Identifiers: Orphanet 402082, MedGen C5190799.

Submission:

Labcorp Genetics (formerly Invitae), Labcorp
Classification: Uncertain significance for Progressive myoclonic epilepsy type 5. Last evaluated: 2025-11-10. Review status: criteria provided, single submitter. Criteria: Invitae Variant Classification Sherloc (09022015). Collection method: clinical testing. Allele origin: germline.
Comment: This sequence change replaces histidine, which is basic and polar, with asparagine, which is neutral and polar, at codon 245 of the PRICKLE2 protein (p.His245Asn). This variant is not present in population databases (gnomAD no frequency). This variant has not been reported in the literature in individuals affected with PRICKLE2-related conditions. ClinVar contains an entry for this variant (Variation ID: 2119662). Invitae Evidence Modeling of protein sequence and biophysical properties (such as structural, functional, and spatial information, amino acid conservation, physicochemical variation, residue mobility, and thermodynamic stability) indicates that this missense variant is not expected to disrupt PRICKLE2 protein function with a negative predictive value of 80%. In summary, the available evidence is currently insufficient to determine the role of this variant in disease. Therefore, it has been classified as a Variant of Uncertain Significance.

NM_198859.4(PRICKLE2):c.733C>A (p.His245Asn)

Gene: PRICKLE2 (prickle planar cell polarity protein 2; minus strand). Cytogenetic location: 3p14.1.
Variant type: single nucleotide variant.
Coding change: c.733C>A on transcript NM_198859.4 (MANE Select); coding-DNA position 733, C replaced by A.
Protein change: p.His245Asn; replaces histidine 245 with asparagine.
Molecular consequence: missense variant.
Genome position (GRCh38, 1-based): chr3:64,153,236, G>T on the plus strand (C>A on the coding strand, the complement: PRICKLE2 is on the minus strand). VCF-style: chr3-64153236-G-T. GRCh37 (hg19) VCF-style: chr3-64138912-G-T.
Other names: c.733C>A, p.His245Asn (NM_001370528.1); short protein forms H245N.
Identifiers: ClinVar variation 2119662 (VCV002119662.4), dbSNP rs2471166935, ClinGen allele CA353433790.